The following is an entry in ClinVar:

NM_000141.5(FGFR2):c.1184T>A (p.Val395Asp)

Gene: FGFR2 (fibroblast growth factor receptor 2; minus strand). Cytogenetic location: 10q26.13.
Variant type: single nucleotide variant.
Coding change: c.1184T>A on transcript NM_000141.5 (MANE Select); coding-DNA position 1184, T replaced by A.
Protein change: p.Val395Asp; replaces valine 395 with aspartic acid.
Molecular consequence: missense variant. On other transcripts: non-coding transcript variant (1), intron variant (1).
Genome position (GRCh38, 1-based): chr10:121,515,220, A>T on the plus strand (T>A on the coding strand, the complement: FGFR2 is on the minus strand). VCF-style: chr10-121515220-A-T. GRCh37 (hg19) VCF-style: chr10-123274734-A-T.
Other names: c.1187T>A, p.Val396Asp (NM_001144913.1, NM_001441087.1, NM_022970.4); c.848T>A, p.Val283Asp (NM_001144914.1); c.917T>A, p.Val306Asp (NM_001144915.2, NM_001441089.1, NM_023029.3); c.839T>A, p.Val280Asp (NM_001144916.2, NM_001144918.2, NM_001441090.1 and 1 more transcripts); c.920T>A, p.Val307Asp (NM_001144919.2, NM_001441088.1); c.500T>A, p.Val167Asp (NM_001320654.2); c.1184T>A, p.Val395Asp (NM_001320658.2); c.939+4759T>A (NM_001144917.2); short protein forms V167D, V306D, V395D, V283D, V307D, V280D, V396D.
Identifiers: ClinVar variation 4974560 (VCV004974560.1).

ClinVar aggregate classification (germline): Likely pathogenic (1 of 4 stars; one submission).

Submission:

Clinical Genomics Laboratory, Washington University in St. Louis
Classification: Likely pathogenic. Last evaluated: 2026-01-24. Review status: criteria provided, single submitter. Criteria: Leon-Quintero et al. (Clin Genet. 2025). Collection method: clinical testing. Allele origin: somatic.
Comment: An FGFR2 c.1184T>A (p.Val395Asp) variant was identified at an allelic fraction consistent with somatic origin. This variant has been identified in the literature in several patients with various forms of nevi (Theiler M et al., PMID: 33930231; Cheng Q et al., PMID: 37540986; Theiler M et al., Pediatric Dermatology: Volume 35, Issue S2, P029) and has also been reported in various types of malignancies in the cancer database COSMIC (Genomic Mutation ID: COSV60650052). The FGFR2 c.1184T>A (p.Val395Asp) variant is absent from the general population (gnomAD v4.1.0), indicating it is not a common variant. Computational predictors indicate that the variant is damaging, evidence that correlates with impact to FGFR2 function. In support of this prediction, the level of phosphorylated FGFR in Val395Asp cells was comparable to or higher than that of wild-type cells, indicating increased levels of FGFR2 phosphorylation while HaCaT cells expressing the variant exhibited significantly increased colony formation compared with WT cells suggesting elevated tumorigenic capacity and gain of function (Cheng Q et al., PMID: 37540986). Based on the available information and an internally developed protocol informed by the ACMG/AMP guidelines for variant interpretation and gene-specific practices from the ClinGen Criteria Specification Registry (Leon-Quintero FZ et al., PMID: 39434542), the FGFR2 c.1184T>A (p.Val395Asp) variant is classified as likely pathogenic.